The following is an entry in ClinVar:

NM_020937.4(FANCM):c.163G>A (p.Asp55Asn)

Gene: FANCM (FA complementation group M; plus strand). Cytogenetic location: 14q21.2.
Variant type: single nucleotide variant.
Coding change: c.163G>A on transcript NM_020937.4 (MANE Select); coding-DNA position 163, G replaced by A.
Protein change: p.Asp55Asn; replaces aspartic acid 55 with asparagine.
Molecular consequence: missense variant.
Genome position (GRCh38, 1-based): chr14:45,136,194, G>A. VCF-style: chr14-45136194-G-A. GRCh37 (hg19) VCF-style: chr14-45605397-G-A.
Other names: c.163G>A, p.Asp55Asn (NM_001308133.2, NM_001308134.2); short protein forms D55N.
Identifiers: ClinVar variation 656862 (VCV000656862.49), dbSNP rs148017562, ClinGen allele CA7168710.

ClinVar aggregate classification (germline): Uncertain significance. Review status: criteria provided, multiple submitters, no conflicts (2 of 4 stars). 9 submissions from 9 submitters: Uncertain significance (8). 1 of the submissions does not count toward it. Last evaluated 2025-12-15.

Conditions:
FANCM-related disorder. Also called: FANCM-related condition.
Fanconi anemia (FA). Also called: Fanconi's anemia. Identifiers: Orphanet 84, MedGen C0015625, MeSH D005199, MONDO:0019391.
Spermatogenic failure 28. Identifiers: MedGen C4748117, MONDO:0054732, OMIM 618086.
Premature ovarian failure 15. Identifiers: MedGen C4748170, MONDO:0054862, OMIM 618096.
Hereditary cancer-predisposing syndrome. Also called: Neoplastic Syndromes, Hereditary; Hereditary Cancer Syndrome; Tumor predisposition; Hereditary neoplastic syndrome. Identifiers: Orphanet 140162, MedGen C0027672, MeSH D009386, MONDO:0015356.

Allele frequency attached by ClinVar (database versions not stated): ESP Exome Variant Server 0.00023; gnomAD 0.00026 and 0.00027; TOPMed 0.00028; gnomAD exomes 0.00033 and 0.00045; ExAC 0.00044.

Submissions (9):

Labcorp Genetics (formerly Invitae), Labcorp
Classification: Uncertain significance for Fanconi anemia. Last evaluated: 2025-12-15. Review status: criteria provided, single submitter. Criteria: Invitae Variant Classification Sherloc (09022015). Collection method: clinical testing. Allele origin: germline.
Comment: This sequence change replaces aspartic acid, which is acidic and polar, with asparagine, which is neutral and polar, at codon 55 of the FANCM protein (p.Asp55Asn). This variant is present in population databases (rs148017562, gnomAD 0.06%). This missense change has been observed in individual(s) with head and neck squamous cell carcinoma or breast cancer (PMID: 28678401, 36551643). ClinVar contains an entry for this variant (Variation ID: 656862). An algorithm developed to predict the effect of missense changes on protein structure and function (PolyPhen-2) suggests that this variant is likely to be disruptive. In summary, the available evidence is currently insufficient to determine the role of this variant in disease. Therefore, it has been classified as a Variant of Uncertain Significance.

GeneDx
Classification: Uncertain significance. Last evaluated: 2025-08-07. Review status: criteria provided, single submitter. Criteria: GeneDx Variant Classification Process June 2021. Collection method: clinical testing. Allele origin: germline. Affected: yes.
Comment: In silico analysis supports that this missense variant has a deleterious effect on protein structure/function; This variant is associated with the following publications: (PMID: 36315097, 33471991, 28678401, 36551643, 32235514, 26580448)

Quest Diagnostics Nichols Institute San Juan Capistrano
Classification: Uncertain significance. Last evaluated: 2025-05-31. Review status: criteria provided, single submitter. Criteria: Quest Diagnostics criteria. Collection method: clinical testing. Allele origin: unknown.
Comment: The FANCM c.163G>A (p.Asp55Asn) variant has been reported in the published literature in individuals affected with head and neck squamous cell carcinoma (PMID: 28678401 (2017)), low grade glioma (PMID: 26580448 (2015)), and an unspecified cancer (PMID: 32235514 (2020)). In a large scale breast cancer association study, this variant has been observed in breast cancer cases and reportedly unaffected individuals (PMID: 33471991 (2021), see also LOVD). The frequency of this variant in the general population (Genome Aggregation Database) is higher than would generally be expected for pathogenic variants in this gene. Analysis of this variant using bioinformatics tools for the prediction of the effect of amino acid changes on protein structure and function yielded conflicting predictions that this variant is benign or damaging. Based on the available information, we are unable to determine the clinical significance of this variant.

CeGaT Center for Human Genetics Tuebingen
Classification: Uncertain significance. Last evaluated: 2023-11-01. Review status: criteria provided, single submitter. Criteria: CeGaT Center For Human Genetics Tuebingen Variant Classification Criteria Version 2. Collection method: clinical testing. Allele origin: germline. Affected: yes. Observed: 1 variant allele.

Fulgent Genetics
Classification: Uncertain significance for Spermatogenic failure 28; Premature ovarian failure 15. Last evaluated: 2022-05-29. Review status: criteria provided, single submitter. Criteria: ACMG Guidelines, 2015. Collection method: clinical testing. Allele origin: unknown.

Institute for Clinical Genetics, University Hospital TU Dresden, University Hospital TU Dresden
Classification: Uncertain significance. Last evaluated: 2021-11-03. Review status: criteria provided, single submitter. Criteria: ACMG Guidelines, 2015. Collection method: clinical testing. Allele origin: germline.

Sema4
Classification: Uncertain significance for Hereditary cancer-predisposing syndrome. Last evaluated: 2021-06-25. Review status: criteria provided, single submitter. Criteria: Sema4 Curation Guidelines. Collection method: curation. Allele origin: germline.
Comment: The FANCM c.163G>A (p.D55N) variant has been reported in at least one individual with head and neck squamous cell carcinoma (PMID: 28678401). This variant has also been reported in numerous individuals with breast cancer and in ethnically matched, unaffected controls with similar frequencies between cases and controls (PMID: 33471991). It was observed in 77/129176 chromosomes, including 0 homozygotes, of the Non-Finnish European subpopulation in the large and broad cohorts of the Genome Aggregation Database (PMID: 32461654). The variant has been reported in ClinVar (Variation ID: 656862). In silico tools suggest the impact of the variant on protein function is inconclusive, though these predictions have not been confirmed by functional studies. The evidence is insufficient to meet ACMG/AMP criteria for classifying the variant as benign or pathogenic. Thus, the clinical significance of this variant is currently uncertain.

Breakthrough Genomics
Classification: Uncertain significance. Review status: criteria provided, single submitter. Criteria: ACMG Guidelines, 2015. Collection method: not provided. Allele origin: germline. Inheritance: Autosomal recessive inheritance. Affected: yes.

PreventionGenetics, part of Exact Sciences
Classification: Uncertain significance for FANCM-related condition. Last evaluated: 2024-06-21. Review status: no assertion criteria provided. Collection method: clinical testing. Allele origin: germline. Not counted in ClinVar's aggregate classification.
Comment: The FANCM c.163G>A variant is predicted to result in the amino acid substitution p.Asp55Asn. This variant was reported in an individual with head and neck squamous cell carcinoma (Table S4 - Chandrasekharappa et al. 2017. PubMed ID: 28678401). This variant is reported in 0.060% of alleles in individuals of European (Non-Finnish) descent in gnomAD and has been interpreted as uncertain in ClinVar. At this time, the clinical significance of this variant is uncertain due to the absence of conclusive functional and genetic evidence.

Literature cited by the submitters: PubMed 28678401 (cited by 3 submitters); PubMed 36551643 (cited by Labcorp Genetics (formerly Invitae), Labcorp and Quest Diagnostics Nichols Institute San Juan Capistrano); PubMed 29641532 (cited by Quest Diagnostics Nichols Institute San Juan Capistrano); PubMed 26580448 (cited by Quest Diagnostics Nichols Institute San Juan Capistrano); PubMed 33471991 (cited by Quest Diagnostics Nichols Institute San Juan Capistrano and Sema4); PubMed 32235514 (cited by Quest Diagnostics Nichols Institute San Juan Capistrano).